The following is an entry in ClinVar:

NM_006096.4(NDRG1):c.427G>A (p.Ala143Thr)

Gene: NDRG1 (N-myc downstream regulated 1; minus strand). Cytogenetic location: 8q24.22.
Variant type: single nucleotide variant.
Coding change: c.427G>A on transcript NM_006096.4 (MANE Select); coding-DNA position 427, G replaced by A.
Protein change: p.Ala143Thr; replaces alanine 143 with threonine.
Molecular consequence: missense variant.
Genome position (GRCh38, 1-based): chr8:133,258,389, C>T on the plus strand (G>A on the coding strand, the complement: NDRG1 is on the minus strand). VCF-style: chr8-133258389-C-T. GRCh37 (hg19) VCF-style: chr8-134270632-C-T.
Other names: c.427G>A, p.Ala143Thr (NM_001135242.2, NM_001374844.1, NM_001374845.1 and 1 more transcripts); c.229G>A, p.Ala77Thr (NM_001258432.2, NM_001374847.1); c.184G>A, p.Ala62Thr (NM_001258433.2); short protein forms A62T, A143T, A77T.
Identifiers: ClinVar variation 1429791 (VCV001429791.3), dbSNP rs776830575, ClinGen allele CA4886756.

ClinVar aggregate classification (germline): Uncertain significance (1 of 4 stars; one submission).

Conditions:
Charcot-Marie-Tooth disease type 4. Also called: Charcot-Marie-Tooth disease, type IV; Charcot-Marie-Tooth, Type 4. Identifiers: Orphanet 64749, MedGen C4082197, MONDO:0018995.

Allele frequency attached by ClinVar (database versions not stated): TOPMed 0.00002; ExAC 0.00001; gnomAD exomes 0.00001; gnomAD 0.00002.
gnomAD v4.1: 16 of 1,612,134 alleles (0.00099%); highest among the groups gnomAD compares: South Asian, 0.0033%; no homozygotes.

Submission:

Labcorp Genetics (formerly Invitae), Labcorp
Classification: Uncertain significance for Charcot-Marie-Tooth disease type 4. Last evaluated: 2021-10-27. Review status: criteria provided, single submitter. Criteria: Invitae Variant Classification Sherloc (09022015). Collection method: clinical testing. Allele origin: germline.
Comment: This sequence change replaces alanine, which is neutral and non-polar, with threonine, which is neutral and polar, at codon 143 of the NDRG1 protein (p.Ala143Thr). This variant is present in population databases (rs776830575, gnomAD 0.003%). This variant has not been reported in the literature in individuals affected with NDRG1-related conditions. Algorithms developed to predict the effect of missense changes on protein structure and function are either unavailable or do not agree on the potential impact of this missense change (SIFT: "Deleterious"; PolyPhen-2: "Probably Damaging"; Align-GVGD: "Class C0"). In summary, the available evidence is currently insufficient to determine the role of this variant in disease. Therefore, it has been classified as a Variant of Uncertain Significance.